The following is an entry in ClinVar:

NM_198060.4(NRAP):c.1212T>C (p.Ser404=)

Gene: NRAP (nebulin related anchoring protein; minus strand). Cytogenetic location: 10q25.3.
Variant type: single nucleotide variant.
Coding change: c.1212T>C on transcript NM_198060.4 (MANE Select); coding-DNA position 1212, T replaced by C.
Protein change: p.Ser404=; no amino-acid change (serine 404 retained).
Molecular consequence: synonymous variant. On other transcripts: intron variant (1).
Genome position (GRCh38, 1-based): chr10:113,642,937, A>G on the plus strand (T>C on the coding strand, the complement: NRAP is on the minus strand). VCF-style: chr10-113642937-A-G. GRCh37 (hg19) VCF-style: chr10-115402696-A-G.
Other names: c.1212T>C, p.Ser404= (NM_001261463.2, NM_001322945.2); c.1111-1465T>C (NM_006175.5).
Identifiers: ClinVar variation 3051372 (VCV003051372.2), dbSNP rs775208717, ClinGen allele CA5695638.

ClinVar aggregate classification (germline): Likely benign (0 of 4 stars; one submission).

Conditions:
NRAP-related disorder. Also called: NRAP-related condition.

Allele frequency attached by ClinVar (database versions not stated): gnomAD 0.00001; gnomAD exomes 0.00004; TOPMed 0.00006; ExAC 0.00015.
gnomAD v4.1: 55 of 1,560,676 alleles (0.0035%); highest among the groups gnomAD compares: Admixed American, 0.082%; no homozygotes.

Submission:

PreventionGenetics, part of Exact Sciences
Classification: Likely benign for NRAP-related condition. Last evaluated: 2020-02-20. Review status: no assertion criteria provided. Collection method: clinical testing. Allele origin: germline.
Comment: This variant is classified as likely benign based on ACMG/AMP sequence variant interpretation guidelines (Richards et al. 2015 PMID: 25741868, with internal and published modifications).